The following is an entry in ClinVar:

ClinVar aggregate classification (germline): Uncertain significance (1 of 4 stars; one submission).

Allele frequency attached by ClinVar (database versions not stated): gnomAD exomes below 0.00001; TOPMed 0.00002; gnomAD 0.00003.
gnomAD v4.1: 8 of 1,608,888 alleles (0.0005%); highest among the groups gnomAD compares: African/African-American, 0.008%; no homozygotes.

Submission:

Labcorp Genetics (formerly Invitae), Labcorp
Classification: Uncertain significance. Last evaluated: 2022-06-04. Review status: criteria provided, single submitter. Criteria: Invitae Variant Classification Sherloc (09022015). Collection method: clinical testing. Allele origin: germline.
Comment: This sequence change replaces glycine, which is neutral and non-polar, with valine, which is neutral and non-polar, at codon 365 of the ZBTB20 protein (p.Gly365Val). This variant is present in population databases (no rsID available, gnomAD 0.01%). This variant has not been reported in the literature in individuals affected with ZBTB20-related conditions. Algorithms developed to predict the effect of missense changes on protein structure and function are either unavailable or do not agree on the potential impact of this missense change (SIFT: "Deleterious"; PolyPhen-2: "Probably Damaging"; Align-GVGD: "Class C0"). In summary, the available evidence is currently insufficient to determine the role of this variant in disease. Therefore, it has been classified as a Variant of Uncertain Significance.

NM_001348800.3(ZBTB20):c.1094G>T (p.Gly365Val)

Gene: ZBTB20 (zinc finger and BTB domain containing 20; minus strand). Cytogenetic location: 3q13.31.
Variant type: single nucleotide variant.
Coding change: c.1094G>T on transcript NM_001348800.3 (MANE Select); coding-DNA position 1094, G replaced by T.
Protein change: p.Gly365Val; replaces glycine 365 with valine.
Molecular consequence: missense variant.
Genome position (GRCh38, 1-based): chr3:114,350,984, C>A on the plus strand (G>T on the coding strand, the complement: ZBTB20 is on the minus strand). VCF-style: chr3-114350984-C-A. GRCh37 (hg19) VCF-style: chr3-114069831-C-A.
Other names: c.1094G>T, p.Gly365Val (NM_001164342.2, NM_001348803.3, NM_001393393.1 and 1 more transcripts); c.875G>T, p.Gly292Val (NM_001164343.2, NM_001164344.4, NM_001164345.4 and 9 more transcripts); short protein forms G292V, G365V.
Identifiers: ClinVar variation 2130834 (VCV002130834.4), dbSNP rs933119304, ClinGen allele CA81667941.